The following is an entry in ClinVar:

NM_002890.3(RASA1):c.1332+20T>C

Genes: CCNH (cyclin H; minus strand), RASA1 (RAS p21 protein activator 1; plus strand). Cytogenetic location: 5q14.3.
Variant type: single nucleotide variant.
Coding change: c.1332+20T>C on transcript NM_002890.3 (MANE Select); 20 bases into the intron after coding-DNA position 1332, T replaced by C.
Molecular consequence: intron variant.
Genome position (GRCh38, 1-based): chr5:87,353,255, T>C. VCF-style: chr5-87353255-T-C. GRCh37 (hg19) VCF-style: chr5-86649072-T-C.
Other names: c.801+20T>C (NM_022650.3); c.934-40460A>G (NM_001364075.2).
Identifiers: ClinVar variation 508230 (VCV000508230.10), dbSNP rs374993077, ClinGen allele CA3335712.
Genomic context (GRCh38, chr5:87,353,255, plus strand): 5'-TTGTTGAAGGATATTATCTTAAGGAACCTGTACCAATGCAGGTCAGTGTTGCATTTCTTA[T>C]TGCAATAATTAGCATTTTATTTTAAAATGCATTTTGGTGGTATGTTTTTGCACACATTTG-3'

ClinVar aggregate classification (germline): Likely benign. Review status: criteria provided, multiple submitters, no conflicts (2 of 4 stars). 3 submissions from 3 submitters: Likely benign (3). Last evaluated 2025-12-31.

Conditions:
Capillary malformation-arteriovenous malformation syndrome. Also called: Capillary malformation-arteriovenous malformation. Identifiers: Orphanet 137667, MedGen C1842180, MONDO:0012016.

Allele frequency attached by ClinVar (database versions not stated): 1000 Genomes Project 0.00080; ExAC 0.00008; gnomAD exomes 0.00001 and 0.00007; gnomAD 0.00003 and 0.00005; TOPMed 0.00003; 1000 Genomes Project 30x 0.00062.
gnomAD v4.1: 42 of 1,548,006 alleles (0.0027%); highest among the groups gnomAD compares: East Asian, 0.029%; no homozygotes.

Submissions (3):

Labcorp Genetics (formerly Invitae), Labcorp
Classification: Likely benign for Capillary malformation-arteriovenous malformation syndrome. Last evaluated: 2025-12-31. Review status: criteria provided, single submitter. Criteria: Invitae Variant Classification Sherloc (09022015). Collection method: clinical testing. Allele origin: germline.

Blueprint Genetics
Classification: Likely benign. Last evaluated: 2024-04-10. Review status: criteria provided, single submitter. Criteria: ACMG Guidelines, 2015. Collection method: clinical testing. Allele origin: germline.

GeneDx
Classification: Likely benign. Last evaluated: 2017-03-20. Review status: criteria provided, single submitter. Criteria: GeneDx Variant Classification (06012015). Collection method: clinical testing. Allele origin: germline. Affected: yes.
Comment: This variant is considered likely benign or benign based on one or more of the following criteria: it is a conservative change, it occurs at a poorly conserved position in the protein, it is predicted to be benign by multiple in silico algorithms, and/or has population frequency not consistent with disease.